The following is an entry in ClinVar:

ClinVar aggregate classification (germline): Uncertain significance (1 of 4 stars; one submission).

Allele frequency attached by ClinVar (database versions not stated): gnomAD exomes 0.00001.
gnomAD v4.1: 8 of 1,608,184 alleles (0.0005%); highest among the groups gnomAD compares: South Asian, 0.0033%; no homozygotes.

Submission:

Labcorp Genetics (formerly Invitae), Labcorp
Classification: Uncertain significance. Last evaluated: 2022-07-11. Review status: criteria provided, single submitter. Criteria: Invitae Variant Classification Sherloc (09022015). Collection method: clinical testing. Allele origin: germline.
Comment: In summary, the available evidence is currently insufficient to determine the role of this variant in disease. Therefore, it has been classified as a Variant of Uncertain Significance. Variants that disrupt the consensus splice site are a relatively common cause of aberrant splicing (PMID: 17576681, 9536098). Algorithms developed to predict the effect of sequence changes on RNA splicing suggest that this variant is not likely to affect RNA splicing. This variant has not been reported in the literature in individuals affected with COL9A3-related conditions. The frequency data for this variant in the population databases is considered unreliable, as metrics indicate poor data quality at this position in the gnomAD database. This sequence change falls in intron 23 of the COL9A3 gene. It does not directly change the encoded amino acid sequence of the COL9A3 protein. It affects a nucleotide within the consensus splice site.

Literature cited by the submitters: PubMed 17576681; PubMed 9536098.

NM_001853.4(COL9A3):c.1216-3C>T

Gene: COL9A3 (collagen type IX alpha 3 chain; plus strand). Cytogenetic location: 20q13.33.
Variant type: single nucleotide variant.
Coding change: c.1216-3C>T on transcript NM_001853.4 (MANE Select); 3 bases into the intron before coding-DNA position 1216, C replaced by T.
Molecular consequence: intron variant.
Genome position (GRCh38, 1-based): chr20:62,830,514, C>T. VCF-style: chr20-62830514-C-T. GRCh37 (hg19) VCF-style: chr20-61461866-C-T.
Identifiers: ClinVar variation 2189468 (VCV002189468.4), dbSNP rs1365903445, ClinGen allele CA636336503.